The following is an entry in ClinVar:

NM_007254.4(PNKP):c.1129G>A (p.Gly377Arg)

Gene: PNKP (polynucleotide kinase 3'-phosphatase; minus strand). Cytogenetic location: 19q13.33.
Variant type: single nucleotide variant.
Coding change: c.1129G>A on transcript NM_007254.4 (MANE Select); coding-DNA position 1129, G replaced by A.
Protein change: p.Gly377Arg; replaces glycine 377 with arginine.
Molecular consequence: missense variant.
Genome position (GRCh38, 1-based): chr19:49,862,103, C>T on the plus strand (G>A on the coding strand, the complement: PNKP is on the minus strand). VCF-style: chr19-49862103-C-T. GRCh37 (hg19) VCF-style: chr19-50365360-C-T.
Other names: p.G377R:GGG>AGG; short protein forms G377R.
Identifiers: ClinVar variation 206404 (VCV000206404.39), dbSNP rs777457079, ClinGen allele CA316486.

ClinVar aggregate classification (germline): Conflicting classifications of pathogenicity. Review status: criteria provided, conflicting classifications (1 of 4 stars). 4 submissions from 4 submitters: Likely pathogenic (1); Uncertain significance (3). Last evaluated 2023-04-27.

Conditions:
Developmental and epileptic encephalopathy, 12 (DEE12). Identifiers: MedGen C3150988, MONDO:0013389, OMIM 613722.
Inborn genetic diseases. Identifiers: MedGen C0950123, MeSH D030342.
Ataxia - oculomotor apraxia type 4. Identifiers: Orphanet 459033, MedGen C4225397, MONDO:0014557, OMIM 616267.

Allele frequency attached by ClinVar (database versions not stated): gnomAD exomes below 0.00001 and 0.00001; ExAC 0.00001; gnomAD 0.00001; TOPMed 0.00001.

Submissions (4):

Neurometabolic Diseases Laboratory, Bellvitge Biomedical Research Institute (IDIBELL)
Classification: Likely pathogenic for Ataxia - oculomotor apraxia type 4. Last evaluated: 2023-04-27. Review status: criteria provided, single submitter. Criteria: ACMG Guidelines, 2015. Collection method: research. Allele origin: germline. Affected: yes.

Labcorp Genetics (formerly Invitae), Labcorp
Classification: Uncertain significance for Developmental and epileptic encephalopathy, 12. Last evaluated: 2022-08-09. Review status: criteria provided, single submitter. Criteria: Invitae Variant Classification Sherloc (09022015). Collection method: clinical testing. Allele origin: germline.
Comment: This sequence change replaces glycine, which is neutral and non-polar, with arginine, which is basic and polar, at codon 377 of the PNKP protein (p.Gly377Arg). This variant is present in population databases (rs777457079, gnomAD 0.007%). This missense change has been observed in individual(s) with clinical features of PNKP-related conditions (PMID: 32056211). In at least one individual the data is consistent with being in trans (on the opposite chromosome) from a pathogenic variant. ClinVar contains an entry for this variant (Variation ID: 206404). Algorithms developed to predict the effect of missense changes on protein structure and function (SIFT, PolyPhen-2, Align-GVGD) all suggest that this variant is likely to be disruptive. Algorithms developed to predict the effect of sequence changes on RNA splicing suggest that this variant may create or strengthen a splice site. In summary, the available evidence is currently insufficient to determine the role of this variant in disease. Therefore, it has been classified as a Variant of Uncertain Significance.

GeneDx
Classification: Uncertain significance. Last evaluated: 2019-01-02. Review status: criteria provided, single submitter. Criteria: GeneDx Variant Classification (06012015). Collection method: clinical testing. Allele origin: germline. Affected: yes.
Comment: The G377R variant has not been published as a pathogenic variant, nor has it been reported as a benign variant to our knowledge. The G377R variant is not observed at a significant frequency in large population cohorts (Lek et al., 2016). The G377R variant is a non-conservative amino acid substitution, which is likely to impact secondary protein structure as these residues differ in polarity, charge, size and/or other properties. In-silico analyses, including protein predictors and evolutionary conservation, support a deleterious effect. Based on the currently available information, it is unclear whether this variant is a pathogenic variant or a rare benign variant.

Ambry Genetics
Classification: Uncertain significance for Inborn genetic diseases. Last evaluated: 2018-02-06. Review status: criteria provided, single submitter. Criteria: Ambry Variant Classification Scheme 2023. Collection method: clinical testing. Allele origin: germline.
Comment: The p.G377R variant (also known as c.1129G>A), located in coding exon 12 of the PNKP gene, results from a G to A substitution at nucleotide position 1129. The glycine at codon 377 is replaced by arginine, an amino acid with dissimilar properties. This amino acid position is highly conserved in available vertebrate species. In addition, this alteration is predicted to be deleterious by in silico analysis. Since supporting evidence is limited at this time, the clinical significance of this alteration remains unclear.

Literature cited by the submitters: PubMed 32056211 (cited by Labcorp Genetics (formerly Invitae), Labcorp).